The following is an entry in ClinVar:

NM_201253.3(CRB1):c.2498G>A (p.Gly833Asp)

Gene: CRB1 (crumbs cell polarity complex component 1; plus strand). Cytogenetic location: 1q31.3.
Variant type: single nucleotide variant.
Coding change: c.2498G>A on transcript NM_201253.3 (MANE Select); coding-DNA position 2498, G replaced by A.
Protein change: p.Gly833Asp; replaces glycine 833 with aspartic acid.
Molecular consequence: missense variant. On other transcripts: non-coding transcript variant (2), intron variant (1).
Genome position (GRCh38, 1-based): chr1:197,427,823, G>A. VCF-style: chr1-197427823-G-A. GRCh37 (hg19) VCF-style: chr1-197396953-G-A.
Other names: c.2162G>A, p.Gly721Asp (NM_001193640.2); c.2291G>A, p.Gly764Asp (NM_001257965.2); c.2128+5867G>A (NM_001257966.2); short protein forms G764D, G721D, G833D.
Identifiers: ClinVar variation 812300 (VCV000812300.13), dbSNP rs1571540258, ClinGen allele CA344037805.

ClinVar aggregate classification (germline): Pathogenic/Likely pathogenic. Review status: criteria provided, multiple submitters, no conflicts (2 of 4 stars). 7 submissions from 7 submitters: Pathogenic (4); Likely pathogenic (1). 2 of the submissions do not count toward it. Last evaluated 2025-08-28.

Conditions:
CRB1-related disorder. Also called: CRB1-related condition; CRB1-related disorders.
Retinal dystrophy. Also called: Inherited retinal dystrophy. Identifiers: Orphanet 71862, MedGen C0854723, MeSH D058499, MONDO:0019118, HP:0000556.
Retinitis pigmentosa 12 (RP12). Also called: RP WITH OR WITHOUT PPRPE; RP WITH OR WITHOUT PRESERVED PARAARTERIOLE RETINAL PIGMENT EPITHELIUM; RETINITIS PIGMENTOSA WITH OR WITHOUT PARAARTERIOLAR PRESERVATION OF RETINAL PIGMENT EPITHELIUM. Identifiers: Orphanet 791, MedGen C1838647, MONDO:0010818, OMIM 600105.
Leber congenital amaurosis 8 (LCA8). Identifiers: Orphanet 65, MedGen C3151202, MONDO:0013453, OMIM 613835.
Leber congenital amaurosis (LCA). Also called: Leber's amaurosis. Identifiers: Orphanet 65, MedGen C0339527, MeSH D057130, MONDO:0018998.
Retinitis pigmentosa (RP). Identifiers: Orphanet 791, MedGen C0035334, MeSH D012174, MONDO:0019200, OMIM 268000. Inheritance: Autosomal dominant, autosomal recessive and X linked inheritance.

Allele frequency attached by ClinVar (database versions not stated): TOPMed below 0.00001.

Submissions (7):

Natera, Inc.
Classification: Pathogenic for Leber congenital amaurosis. Last evaluated: 2025-08-28. Review status: criteria provided, single submitter. Criteria: Natera Variant Classification Schema (03/2026). Collection method: clinical testing. Allele origin: germline.
Comment: The c.2498G>A variant in CRB1 is a missense variant predicted to cause substitution of glycine to aspartic acid at amino acid 833. This variant is rare in the general population with a frequency below the threshold expected for the associated phenotype(s). This variant has been observed in one or more individuals affected with the associated recessive disease, as either homozygous or compound heterozygous with a second variant (PMID: 31879567, 23077403, 33579689, 25356976). Computational prediction algorithms indicate this variant is likely to affect gene or protein function. Given the available evidence, this variant is classified as Pathogenic.

Blueprint Genetics
Classification: Pathogenic for CRB1-related disorders. Last evaluated: 2023-12-05. Review status: criteria provided, single submitter. Criteria: ACMG Guidelines, 2015. Collection method: clinical testing. Allele origin: germline. Affected: yes. Observed: 3 variant alleles.

Baylor Genetics
Classification: Pathogenic for Leber congenital amaurosis 8. Last evaluated: 2023-05-01. Review status: criteria provided, single submitter. Criteria: ACMG Guidelines, 2015. Collection method: clinical testing. Allele origin: unknown.

Labcorp Genetics (formerly Invitae), Labcorp
Classification: Pathogenic for Leber congenital amaurosis 8; Retinitis pigmentosa 12. Last evaluated: 2022-10-09. Review status: criteria provided, single submitter. Criteria: Invitae Variant Classification Sherloc (09022015). Collection method: clinical testing. Allele origin: germline.
Comment: For these reasons, this variant has been classified as Pathogenic. Advanced modeling of protein sequence and biophysical properties (such as structural, functional, and spatial information, amino acid conservation, physicochemical variation, residue mobility, and thermodynamic stability) performed at Invitae indicates that this missense variant is expected to disrupt CRB1 protein function. ClinVar contains an entry for this variant (Variation ID: 812300). This missense change has been observed in individual(s) with CRB1-related conditions (PMID: 23077403, 23449718, 25356976). In at least one individual the data is consistent with being in trans (on the opposite chromosome) from a pathogenic variant. This variant is not present in population databases (gnomAD no frequency). This sequence change replaces glycine, which is neutral and non-polar, with aspartic acid, which is acidic and polar, at codon 833 of the CRB1 protein (p.Gly833Asp).

Institute of Human Genetics, Univ. Regensburg, Univ. Regensburg
Classification: Likely pathogenic for Retinal dystrophy. Last evaluated: 2016-01-01. Review status: criteria provided, single submitter. Criteria: ACMG Guidelines, 2015. Collection method: clinical testing. Allele origin: germline. Affected: yes.

Sharon lab, Hadassah-Hebrew University Medical Center
Classification: Pathogenic for Retinitis pigmentosa. Last evaluated: 2019-06-23. Review status: no assertion criteria provided. Collection method: research. Allele origin: inherited. Affected: yes. Not counted in ClinVar's aggregate classification.

Laboratory of Genetics in Ophthalmology, Institut Imagine
Classification: Pathogenic for Leber congenital amaurosis 8. Review status: no assertion criteria provided. Collection method: research. Allele origin: inherited. Affected: yes. Observed: 1 variant allele. Not counted in ClinVar's aggregate classification.

Literature cited by the submitters: PubMed 31879567 (cited by Natera, Inc. and Institute of Human Genetics, Univ. Regensburg, Univ. Regensburg); PubMed 23077403 (cited by 3 submitters); PubMed 33579689 (cited by Natera, Inc.); PubMed 25356976 (cited by 3 submitters); PubMed 23449718 (cited by Labcorp Genetics (formerly Invitae), Labcorp); PubMed 31456290 (cited by Institute of Human Genetics, Univ. Regensburg, Univ. Regensburg); PubMed 32531858 (cited by Institute of Human Genetics, Univ. Regensburg, Univ. Regensburg); PubMed 34884448 (cited by Institute of Human Genetics, Univ. Regensburg, Univ. Regensburg); PubMed 11231775 (cited by Laboratory of Genetics in Ophthalmology, Institut Imagine).